The following is an entry in ClinVar:

NM_001368397.1(FRMPD4):c.1801T>G (p.Tyr601Asp)

Gene: FRMPD4 (FERM and PDZ domain containing 4; plus strand). Cytogenetic location: Xp22.2.
Variant type: single nucleotide variant.
Coding change: c.1801T>G on transcript NM_001368397.1 (MANE Select); coding-DNA position 1801, T replaced by G.
Protein change: p.Tyr601Asp; replaces tyrosine 601 with aspartic acid.
Molecular consequence: missense variant.
Genome position (GRCh38, 1-based): chrX:12,716,260, T>G. VCF-style: chrX-12716260-T-G. GRCh37 (hg19) VCF-style: chrX-12734379-T-G.
Other names: c.1912T>G, p.Tyr638Asp (NM_001368395.3, NM_001368398.3); c.1807T>G, p.Tyr603Asp (NM_001368396.3); c.1792T>G, p.Tyr598Asp (NM_001368399.3); c.1681T>G, p.Tyr561Asp (NM_001368400.3); c.1777T>G, p.Tyr593Asp (NM_001368401.1, NM_001368402.3); c.1801T>G, p.Tyr601Asp (NM_014728.3); short protein forms Y561D, Y593D, Y598D, Y601D, Y603D, Y638D.
Identifiers: ClinVar variation 3603136 (VCV003603136.1).

ClinVar aggregate classification (germline): Uncertain significance (1 of 4 stars; one submission).

Submission:

GeneDx
Classification: Uncertain significance. Last evaluated: 2024-08-05. Review status: criteria provided, single submitter. Criteria: GeneDx Variant Classification Process June 2021. Collection method: clinical testing. Allele origin: germline. Affected: yes.
Comment: Not observed at significant frequency in large population cohorts (gnomAD); In silico analysis indicates that this missense variant does not alter protein structure/function; Has not been previously published as pathogenic or benign to our knowledge